The following is an entry in ClinVar:

NM_004544.4(NDUFA10):c.1A>G (p.Met1Val)

Gene: NDUFA10 (NADH:ubiquinone oxidoreductase subunit A10; minus strand). Cytogenetic location: 2q37.3.
Variant type: single nucleotide variant.
Coding change: c.1A>G on transcript NM_004544.4 (MANE Select); coding-DNA position 1, A replaced by G.
Protein change: p.Met1Val; changes the start codon (methionine 1).
Molecular consequence: missense variant, initiator codon variant. On other transcripts: non-coding transcript variant (4).
Genome position (GRCh38, 1-based): chr2:240,025,301, T>C on the plus strand (A>G on the coding strand, the complement: NDUFA10 is on the minus strand). VCF-style: chr2-240025301-T-C. GRCh37 (hg19) VCF-style: chr2-240964718-T-C.
Other names: c.1A>G, p.Met1Val (NM_001322019.2, NM_001322020.2); short protein forms M1V.
Identifiers: ClinVar variation 30392 (VCV000030392.3), dbSNP rs387906872, ClinGen allele CA129185.

ClinVar aggregate classification (germline): Likely pathogenic. Review status: criteria provided, single submitter (1 of 4 stars). 2 submissions from 2 submitters: Likely pathogenic (1). 1 of the submissions does not count toward it. Last evaluated 2022-07-19.

Conditions:
Mitochondrial complex I deficiency, nuclear type 22. Also called: Mitochondrial complex 1 deficiency, nuclear type 22. Identifiers: MedGen C4748796, MONDO:0032626, OMIM 618243.

Allele frequency attached by ClinVar (database versions not stated): gnomAD exomes 0.00003; gnomAD 0.00001; TOPMed 0.00003; ExAC 0.00009.

Submissions (2):

Women's Health and Genetics/Laboratory Corporation of America, LabCorp
Classification: Likely pathogenic for Mitochondrial complex I deficiency, nuclear type 22. Last evaluated: 2022-07-19. Review status: criteria provided, single submitter. Criteria: LabCorp Variant Classification Summary - May 2015. Collection method: clinical testing. Allele origin: germline.
Comment: Variant summary: NDUFA10 c.1A>G (p.Met1?, aka p.Met1Val) alters the initiation codon and is predicted to result either in absence of the protein or truncation/extension of the encoded protein due to translation initiation at a downstream/upstream codon. No upstream in-frame ATG triplets were found that could generate an N-terminally extended protein product, and although a downstream in-frame ATG triplet was found, (i.e. Met40 in Exon 2), the utilization of Met40 as a start codon would result in an N-terminally truncated protein product, with the loss of the mitochondrial targeting signal (i.e. the 35 N-terminal amino acids; see Dang_2020). The variant allele was found at a frequency of 2.9e-05 in 103762 control chromosomes (gnomAD). The available data on variant occurrences in the general population are insufficient to allow any conclusion about variant significance. The variant, c.1A>G, has been reported in the literature in a compound heterozygous individual affected with Mitochondrial Complex 1 Deficiency, Nuclear Type 22 (Hoefs_2011), and the authors of this study described a marked decrease of complex I activity in patient derived fibroblasts and muscle tissue, together with a strongly decreased NDUFA10 protein level on Western blot analysis. No clinical diagnostic laboratories have submitted clinical-significance assessments for this variant to ClinVar after 2014. Based on the evidence outlined above, the variant was classified as likely pathogenic.

OMIM
Classification: Pathogenic for MITOCHONDRIAL COMPLEX I DEFICIENCY, NUCLEAR TYPE 22. Last evaluated: 2011-03-01. Review status: no assertion criteria provided. Collection method: literature only. Allele origin: germline. Not counted in ClinVar's aggregate classification.

Literature cited by the submitters: PubMed 33233646 (cited by Women's Health and Genetics/Laboratory Corporation of America, LabCorp); PubMed 22972949 (cited by Women's Health and Genetics/Laboratory Corporation of America, LabCorp); PubMed 21150889 (cited by Women's Health and Genetics/Laboratory Corporation of America, LabCorp and OMIM); PubMed 34827632 (cited by Women's Health and Genetics/Laboratory Corporation of America, LabCorp); PubMed 28247337 (cited by Women's Health and Genetics/Laboratory Corporation of America, LabCorp); PubMed 34828274 (cited by Women's Health and Genetics/Laboratory Corporation of America, LabCorp).